The following is an entry in ClinVar:

NM_001036.6(RYR3):c.9354C>T (p.Ala3118=)

Gene: RYR3 (ryanodine receptor 3; plus strand). Cytogenetic location: 15q14.
Variant type: single nucleotide variant.
Coding change: c.9354C>T on transcript NM_001036.6 (MANE Select); coding-DNA position 9354, C replaced by T.
Protein change: p.Ala3118=; no amino-acid change (alanine 3118 retained).
Molecular consequence: synonymous variant.
Genome position (GRCh38, 1-based): chr15:33,785,747, C>T. VCF-style: chr15-33785747-C-T. GRCh37 (hg19) VCF-style: chr15-34077948-C-T.
Other names: c.9354C>T, p.Ala3118= (NM_001243996.4).
Identifiers: ClinVar variation 531096 (VCV000531096.14), dbSNP rs759031318, ClinGen allele CA7460502.

ClinVar aggregate classification (germline): Likely benign. Review status: criteria provided, multiple submitters, no conflicts (2 of 4 stars). 2 submissions from 2 submitters: Likely benign (2). Last evaluated 2026-03-01.

Conditions:
Epileptic encephalopathy. Identifiers: MedGen C0543888, HP:0200134.

Allele frequency attached by ClinVar (database versions not stated): ExAC 0.00001; TOPMed 0.00001; gnomAD exomes 0.00002.
gnomAD v4.1: 25 of 1,613,918 alleles (0.0015%); highest among the groups gnomAD compares: East Asian, 0.0067%; no homozygotes.

Submissions (2):

CeGaT Center for Human Genetics Tuebingen
Classification: Likely benign. Last evaluated: 2026-03-01. Review status: criteria provided, single submitter. Criteria: CeGaT Center For Human Genetics Tuebingen Variant Classification Criteria Version 2. Collection method: clinical testing. Allele origin: germline. Affected: yes. Observed: 1 variant allele.
Comment: RYR3: BP4, BP7

Labcorp Genetics (formerly Invitae), Labcorp
Classification: Likely benign for Epileptic encephalopathy. Last evaluated: 2023-12-07. Review status: criteria provided, single submitter. Criteria: Invitae Variant Classification Sherloc (09022015). Collection method: clinical testing. Allele origin: germline.